The following is an entry in ClinVar:

ClinVar aggregate classification (germline): Uncertain significance (1 of 4 stars; one submission).

Conditions:
Hypertrophic cardiomyopathy 14. Identifiers: MedGen C2750467, MONDO:0013197, OMIM 613251.

Allele frequency attached by ClinVar (database versions not stated): gnomAD exomes 0.00001.
gnomAD v4.1: 3 of 1,613,964 alleles (0.00019%); highest among the groups gnomAD compares: Non-Finnish European, 0.00025%; no homozygotes.

Submission:

Labcorp Genetics (formerly Invitae), Labcorp
Classification: Uncertain significance for Hypertrophic cardiomyopathy 14. Last evaluated: 2023-01-22. Review status: criteria provided, single submitter. Criteria: Invitae Variant Classification Sherloc (09022015). Collection method: clinical testing. Allele origin: germline.
Comment: In summary, the available evidence is currently insufficient to determine the role of this variant in disease. Therefore, it has been classified as a Variant of Uncertain Significance. Algorithms developed to predict the effect of sequence changes on RNA splicing suggest that this variant may disrupt the consensus splice site. This variant has not been reported in the literature in individuals affected with MYH6-related conditions. This variant is not present in population databases (gnomAD no frequency). This sequence change falls in intron 15 of the MYH6 gene. It does not directly change the encoded amino acid sequence of the MYH6 protein.

NM_002471.4(MYH6):c.1892-11T>G

Gene: MYH6 (myosin heavy chain 6; minus strand). Cytogenetic location: 14q11.2.
Variant type: single nucleotide variant.
Coding change: c.1892-11T>G on transcript NM_002471.4 (MANE Select); 11 bases into the intron before coding-DNA position 1892, T replaced by G.
Molecular consequence: intron variant.
Genome position (GRCh38, 1-based): chr14:23,397,624, A>C on the plus strand (T>G on the coding strand, the complement: MYH6 is on the minus strand). VCF-style: chr14-23397624-A-C. GRCh37 (hg19) VCF-style: chr14-23866833-A-C.
Identifiers: ClinVar variation 2831185 (VCV002831185.3), dbSNP rs2502181656, ClinGen allele CA2575486536.